The following is an entry in ClinVar:

ClinVar aggregate classification (germline): Uncertain significance (1 of 4 stars; one submission).

gnomAD v4.1: 4 of 1,613,830 alleles (0.00025%); highest among the groups gnomAD compares: African/African-American, 0.004%; no homozygotes.

Submission:

Labcorp Genetics (formerly Invitae), Labcorp
Classification: Uncertain significance. Last evaluated: 2026-01-18. Review status: criteria provided, single submitter. Criteria: Invitae Variant Classification Sherloc (09022015). Collection method: clinical testing. Allele origin: germline.
Comment: This sequence change replaces proline, which is neutral and non-polar, with leucine, which is neutral and non-polar, at codon 470 of the SON protein (p.Pro470Leu). This variant is not present in population databases (gnomAD no frequency). This variant has not been reported in the literature in individuals affected with SON-related conditions. An algorithm developed to predict the effect of missense changes on protein structure and function (PolyPhen-2) suggests that this variant is likely to be disruptive. In summary, the available evidence is currently insufficient to determine the role of this variant in disease. Therefore, it has been classified as a Variant of Uncertain Significance.

NM_138927.4(SON):c.1409C>T (p.Pro470Leu)

Gene: SON (SON DNA and RNA binding protein; plus strand). Cytogenetic location: 21q22.11.
Variant type: single nucleotide variant.
Coding change: c.1409C>T on transcript NM_138927.4 (MANE Select); coding-DNA position 1409, C replaced by T.
Protein change: p.Pro470Leu; replaces proline 470 with leucine.
Molecular consequence: missense variant. On other transcripts: non-coding transcript variant (1), intron variant (1).
Genome position (GRCh38, 1-based): chr21:33,550,640, C>T. VCF-style: chr21-33550640-C-T. GRCh37 (hg19) VCF-style: chr21-34922946-C-T.
Other names: c.1409C>T, p.Pro470Leu (NM_001291411.2, NM_032195.3); c.244+4261C>T (NM_001291412.3); short protein forms P470L.
Identifiers: ClinVar variation 4780786 (VCV004780786.1).